The following is an entry in ClinVar:

NM_001999.4(FBN2):c.3457A>G (p.Met1153Val)

Gene: FBN2 (fibrillin 2; minus strand). Cytogenetic location: 5q23.3.
Variant type: single nucleotide variant.
Coding change: c.3457A>G on transcript NM_001999.4 (MANE Select); coding-DNA position 3457, A replaced by G.
Protein change: p.Met1153Val; replaces methionine 1153 with valine.
Molecular consequence: missense variant.
Genome position (GRCh38, 1-based): chr5:128,338,948, T>C on the plus strand (A>G on the coding strand, the complement: FBN2 is on the minus strand). VCF-style: chr5-128338948-T-C. GRCh37 (hg19) VCF-style: chr5-127674640-T-C.
Other names: short protein forms M1153V.
Identifiers: ClinVar variation 4854335 (VCV004854335.1).
Genomic context (GRCh38, chr5:128,338,948, plus strand): 5'-GCTAGTATGGTTTCAAGCTGGCGAGGAAGAGCTCACGGTGCTTACCCATGCAGTTCTTCA[T>C]CATCATGAAGCCACTTTCATAGCCTTCGAAGCACTCGCACTCAAAGCTGCCCGGTGTATT-3'
Protein context (NP_001990.2, residues 1143-1163): FEGYESGFMM[Met1153Val]KNCMDIDECE

ClinVar aggregate classification (germline): Uncertain significance (1 of 4 stars; one submission).

Conditions:
Congenital contractural arachnodactyly (CCA). Also called: BEALS SYNDROME; Arthrogryposis, distal, type 9; Beals-Hecht syndrome. Identifiers: Orphanet 115, MedGen C0220668, MONDO:0007363, OMIM 121050.

Submission:

3billion
Classification: Uncertain significance for Congenital contractural arachnodactyly. Last evaluated: 2025-09-05. Review status: criteria provided, single submitter. Criteria: ACMG Guidelines, 2015. Collection method: clinical testing. Allele origin: germline. Affected: yes.
Comment: The variant is not observed in the gnomAD v4.1.0 dataset. Predicted Consequence/Location: The variant is located in a mutational hot spot and/or well-established functional domain in which established pathogenic variants have been reported (PMID: 35360850, 17345643). In silico tool predictions suggest damaging effect of the variant on gene or gene product [REVEL: 0.85 (>=0.6, sensitivity 0.68 and specificity 0.92)]. Different missense changes at the same codon have been reported as of uncertain significance (ClinVar ID: VCV003605676). Therefore, this variant is classified as VUS according to the recommendation of ACMG/AMP guideline.